The following is an entry in ClinVar:

NM_005909.5(MAP1B):c.4354A>G (p.Ser1452Gly)

Gene: MAP1B (microtubule associated protein 1B; plus strand). Cytogenetic location: 5q13.2.
Variant type: single nucleotide variant.
Coding change: c.4354A>G on transcript NM_005909.5 (MANE Select); coding-DNA position 4354, A replaced by G.
Protein change: p.Ser1452Gly; replaces serine 1452 with glycine.
Molecular consequence: missense variant.
Genome position (GRCh38, 1-based): chr5:72,197,709, A>G. VCF-style: chr5-72197709-A-G. GRCh37 (hg19) VCF-style: chr5-71493536-A-G.
Other names: c.3976A>G, p.Ser1326Gly (NM_001324255.2); c.4354A>G (NM_005909.4); short protein forms S1326G, S1452G.
Identifiers: ClinVar variation 2334024 (VCV002334024.3), dbSNP rs144161108, ClinGen allele CA3299152.
Genomic context (GRCh38, chr5:72,197,709, plus strand): 5'-AAGAGTGGAAAACAAGGCTCTCCAGACCAAGTAAGTCCAGTTTCTGAAATGACTTCTACT[A>G]GTCTTTACCAAGACAAACAGGAAGGGAAAAGCACAGACTTTGCACCAATAAAAGAAGACT-3'
Protein context (NP_005900.2, residues 1442-1462): VSPVSEMTST[Ser1452Gly]LYQDKQEGKS

ClinVar aggregate classification (germline): Conflicting classifications of pathogenicity. Review status: criteria provided, conflicting classifications (1 of 4 stars). 2 submissions from 2 submitters: Uncertain significance (1); Likely benign (1). Last evaluated 2025-02-18.

Conditions:
MAP1B-related disorder. Also called: MAP1B-related condition.
Inborn genetic diseases. Identifiers: MedGen C0950123, MeSH D030342.

Allele frequency attached by ClinVar (database versions not stated): ESP Exome Variant Server 0.00015; gnomAD exomes 0.00001; gnomAD 0.00002; TOPMed 0.00002; ExAC 0.00003.
gnomAD v4.1: 12 of 1,614,002 alleles (0.00074%); highest among the groups gnomAD compares: Non-Finnish European, 0.00093%; no homozygotes.

Submissions (2):

PreventionGenetics, part of Exact Sciences
Classification: Uncertain significance for MAP1B-related condition. Last evaluated: 2025-02-18. Review status: criteria provided, single submitter. Criteria: ACMG Guidelines, 2015. Collection method: clinical testing. Allele origin: germline.
Comment: The MAP1B c.4354A>G variant is predicted to result in the amino acid substitution p.Ser1452Gly. To our knowledge, this variant has not been reported in the literature. This variant is reported in 0.0035% of alleles in individuals of European (Non-Finnish) descent in gnomAD. At this time, the clinical significance of this variant is uncertain due to the absence of conclusive functional and genetic evidence.

Ambry Genetics
Classification: Likely benign for Inborn genetic diseases. Last evaluated: 2022-12-13. Review status: criteria provided, single submitter. Criteria: Ambry Variant Classification Scheme 2023. Collection method: clinical testing. Allele origin: germline.